The following is an entry in ClinVar:

Conditions:
Breast-ovarian cancer, familial, susceptibility to, 1 (BROVCA1). Also called: BRCA1 Hereditary Breast and Ovarian Cancer; OVARIAN CANCER, SUSCEPTIBILITY TO. Identifiers: Orphanet 145, MedGen C2676676, MONDO:0011450, OMIM 604370. Disease mechanism: loss of function.

Submission:

Brotman Baty Institute, University of Washington
No classification provided (evidence only). Condition: Breast-ovarian cancer, familial 1. Review status: no classification provided. Collection method: in vitro. Allele origin: not applicable. Functional consequence: functionally_normal.
ClinVar note: "not provided" was previously submitted as the classification for the variant. However, the classification appeared to be based only on an observation of functional data so it was converted to no classification on 2025-07-30.

NM_007294.4(BRCA1):c.4972A>G (p.Thr1658Ala)

Gene: BRCA1 (BRCA1 DNA repair associated; minus strand). Cytogenetic location: 17q21.31.
Variant type: single nucleotide variant.
Coding change: c.4972A>G on transcript NM_007294.4 (MANE Select); coding-DNA position 4972, A replaced by G.
Protein change: p.Thr1658Ala; replaces threonine 1658 with alanine.
Molecular consequence: missense variant. On other transcripts: non-coding transcript variant (1).
Genome position (GRCh38, 1-based): chr17:43,070,942, T>C on the plus strand (A>G on the coding strand, the complement: BRCA1 is on the minus strand). VCF-style: chr17-43070942-T-C. GRCh37 (hg19) VCF-style: chr17-41222959-T-C.
Other names: c.4759A>G, p.Thr1587Ala (NM_001407571.1, NM_001407894.1, NM_001407908.1 and 12 more transcripts); c.5038A>G, p.Thr1680Ala (NM_001407581.1, NM_001407582.1); c.5035A>G, p.Thr1679Ala (NM_001407583.1, NM_001407585.1, NM_001407587.1 and 1 more transcripts); c.5032A>G, p.Thr1678Ala (NM_001407590.1, NM_001407591.1); c.4972A>G, p.Thr1658Ala (NM_001407593.1, NM_001407594.1, NM_001407596.1 and 8 more transcripts); c.4969A>G, p.Thr1657Ala (NM_001407615.1, NM_001407616.1, NM_001407617.1 and 17 more transcripts); c.4966A>G, p.Thr1656Ala (NM_001407634.1, NM_001407635.1, NM_001407636.1 and 14 more transcripts); c.4891A>G, p.Thr1631Ala (NM_001407656.1, NM_001407657.1, NM_001407658.1); and 70 more; short protein forms T554A, T1679A, T1611A, T1658A, T1489A, T1529A, T1530A, T1531A.
Identifiers: ClinVar variation 865477 (VCV000865477.3), dbSNP rs2052358713, ClinGen allele CA10591583.